The following is an entry in ClinVar:

ClinVar aggregate classification (germline): Uncertain significance (1 of 4 stars; one submission).

Conditions:
Birk-Barel syndrome. Also called: MENTAL RETARDATION WITH HYPOTONIA AND FACIAL DYSMORPHISM; KCNK9 Imprinting Syndrome. Identifiers: Orphanet 166108, MedGen C2676770, MONDO:0012856, OMIM 612292.

gnomAD v4.1: 20 of 1,614,136 alleles (0.0012%); highest among the groups gnomAD compares: Non-Finnish European, 0.0016%; no homozygotes.

Submission:

Victorian Clinical Genetics Services, Murdoch Childrens Research Institute
Classification: Uncertain significance for Birk-Barel syndrome. Last evaluated: 2022-02-02. Review status: criteria provided, single submitter. Criteria: ACMG Guidelines, 2015. Collection method: clinical testing. Allele origin: germline. Inheritance: Autosomal dominant inheritance. Affected: yes.
Comment: Based on the classification scheme VCGS_Germline_v1.3.4, this variant is classified as VUS-3B. Following criteria are met: 0104 - Dominant negative is a known mechanism of disease in this gene and is associated with Birk-Barel syndrome MIM#612292. (I) 0107 - This gene is associated with autosomal dominant disease. (I) 0113 - This gene is known to be imprinted. The paternal allele is silenced (PMID: 27151206). (I) 0200 - Variant is predicted to result in a missense amino acid change from serine to isoleucine. (I) 0251 - This variant is heterozygous. (I) 0302 - Variant is present in gnomAD <0.001 for a dominant condition (v2: 1 heterozygote, 0 homozygotes). (SP) 0309 - An alternative amino acid change at the same position has been observed in gnomAD (v2: 1 heterozygote, 0 homozygote). (I) 0502 - Missense variant with conflicting in silico predictions and uninformative conservation. (I) 0604 - Variant is not located in an established domain, motif, hotspot or informative constraint region. (I) 0705 - No comparable missense variants have previous evidence for pathogenicity. (I) 0807 - This variant has no previous evidence of pathogenicity. (I) 0905 - No published segregation evidence has been identified for this variant. (I) 1007 - No published functional evidence has been identified for this variant. (I) 1208 - Inheritance information for this variant is not currently available in this individual. (I) Legend: (SP) - Supporting pathogenic, (I) - Information, (SB) - Supporting benign

Literature cited by the submitters: PubMed 27151206.

NM_001282534.2(KCNK9):c.1055G>T (p.Ser352Ile)

Gene: KCNK9 (potassium two pore domain channel subfamily K member 9; minus strand). Cytogenetic location: 8q24.3.
Variant type: single nucleotide variant.
Coding change: c.1055G>T on transcript NM_001282534.2 (MANE Select); coding-DNA position 1055, G replaced by T.
Protein change: p.Ser352Ile; replaces serine 352 with isoleucine.
Molecular consequence: missense variant. On other transcripts: non-coding transcript variant (1).
Genome position (GRCh38, 1-based): chr8:139,618,328, C>A on the plus strand (G>T on the coding strand, the complement: KCNK9 is on the minus strand). VCF-style: chr8-139618328-C-A. GRCh37 (hg19) VCF-style: chr8-140630571-C-A.
Other names: short protein forms S352I.
Identifiers: ClinVar variation 3376668 (VCV003376668.1).
Genomic context (GRCh38, chr8:139,618,328, plus strand): 5'-TTCCGGCGTTTCATCAGCCTCTGGTGGTCGGTAAAGCTGTGTAACCCAGGAGAGATGGAG[C>A]TAATAGGCGATGGGAAGAGGCTGTTTTTTAATGTGCTTGGTGAGATCTCCTCGATCTTGT-3'
Protein context (NP_001269463.1, residues 342-362): LKNSLFPSPI[Ser352Ile]SISPGLHSFT